The following is an entry in ClinVar:

ClinVar aggregate classification (germline): Likely benign. Review status: criteria provided, single submitter (1 of 4 stars). 2 submissions from 2 submitters: Likely benign (1). 1 of the submissions does not count toward it. Last evaluated 2018-06-23.

Conditions:
ABCB1-related disorder. Also called: ABCB1-related condition.

Allele frequency attached by ClinVar (database versions not stated): TOPMed 0.00012; ESP Exome Variant Server 0.00015; gnomAD 0.00016; gnomAD exomes 0.00017 and 0.00023; ExAC 0.00020.
gnomAD v4.1: 349 of 1,613,518 alleles (0.022%); highest among the groups gnomAD compares: South Asian, 0.047%; 1 homozygote.

Submissions (2):

Labcorp Genetics (formerly Invitae), Labcorp
Classification: Likely benign. Last evaluated: 2018-06-23. Review status: criteria provided, single submitter. Criteria: Invitae Variant Classification Sherloc (09022015). Collection method: clinical testing. Allele origin: germline.

PreventionGenetics, part of Exact Sciences
Classification: Likely benign for ABCB1-related condition. Last evaluated: 2022-12-08. Review status: no assertion criteria provided. Collection method: clinical testing. Allele origin: germline. Not counted in ClinVar's aggregate classification.
Comment: This variant is classified as likely benign based on ACMG/AMP sequence variant interpretation guidelines (Richards et al. 2015 PMID: 25741868, with internal and published modifications).

NM_001348946.2(ABCB1):c.2106G>A (p.Lys702=)

Gene: ABCB1 (ATP binding cassette subfamily B member 1; minus strand). Cytogenetic location: 7q21.12.
Variant type: single nucleotide variant.
Coding change: c.2106G>A on transcript NM_001348946.2 (MANE Select); coding-DNA position 2106, G replaced by A.
Protein change: p.Lys702=; no amino-acid change (lysine 702 retained).
Molecular consequence: synonymous variant.
Genome position (GRCh38, 1-based): chr7:87,544,234, C>T on the plus strand (G>A on the coding strand, the complement: ABCB1 is on the minus strand). VCF-style: chr7-87544234-C-T. GRCh37 (hg19) VCF-style: chr7-87173550-C-T.
Other names: c.2106G>A, p.Lys702= (NM_000927.5, NM_001348944.2); c.2316G>A, p.Lys772= (NM_001348945.2).
Identifiers: ClinVar variation 754649 (VCV000754649.5), dbSNP rs143151234, ClinGen allele CA4328122.